The following is an entry in ClinVar:

ClinVar aggregate classification (germline): Likely benign (0 of 4 stars; one submission).

Conditions:
NR2F2-related disorder. Also called: NR2F2-related condition.

Submission:

PreventionGenetics, part of Exact Sciences
Classification: Likely benign for NR2F2-related condition. Last evaluated: 2023-04-25. Review status: no assertion criteria provided. Collection method: clinical testing. Allele origin: germline.
Comment: This variant is classified as likely benign based on ACMG/AMP sequence variant interpretation guidelines (Richards et al. 2015 PMID: 25741868, with internal and published modifications).

NM_021005.4(NR2F2):c.489G>A (p.Gln163=)

Gene: NR2F2 (nuclear receptor subfamily 2 group F member 2; plus strand). Cytogenetic location: 15q26.2.
Variant type: single nucleotide variant.
Coding change: c.489G>A on transcript NM_021005.4 (MANE Select); coding-DNA position 489, G replaced by A.
Protein change: p.Gln163=; no amino-acid change (glutamine 163 retained).
Molecular consequence: synonymous variant.
Genome position (GRCh38, 1-based): chr15:96,334,122, G>A. VCF-style: chr15-96334122-G-A. GRCh37 (hg19) VCF-style: chr15-96877351-G-A.
Other names: c.90G>A, p.Gln30= (NM_001145155.2); c.30G>A, p.Gln10= (NM_001145156.1, NM_001145157.2).
Identifiers: ClinVar variation 3055368 (VCV003055368.2), dbSNP rs2505774008, ClinGen allele CA492689698.
Genomic context (GRCh38, chr15:96,334,122, plus strand): 5'-TTTCCTCCCCGCAGCGGTGCAGAGGGGCAGGATGCCGCCGACCCAGCCGACCCACGGGCA[G>A]TTCGCGCTGACCAACGGGGATCCCCTCAACTGCCACTCGTACCTGTCCGGATATATTTCC-3'
Protein context (NP_066285.1, residues 153-173): RMPPTQPTHG[Gln163=]FALTNGDPLN